The following is an entry in ClinVar:

ClinVar aggregate classification (germline): Uncertain significance (1 of 4 stars; one submission).

Allele frequency attached by ClinVar (database versions not stated): gnomAD exomes below 0.00001; TOPMed below 0.00001; ExAC 0.00001.
gnomAD v4.1: 2 of 1,614,186 alleles (0.00012%); highest among the groups gnomAD compares: South Asian, 0.0022%; no homozygotes.

Submission:

Labcorp Genetics (formerly Invitae), Labcorp
Classification: Uncertain significance. Last evaluated: 2023-10-05. Review status: criteria provided, single submitter. Criteria: Invitae Variant Classification Sherloc (09022015). Collection method: clinical testing. Allele origin: germline.
Comment: This sequence change replaces lysine, which is basic and polar, with arginine, which is basic and polar, at codon 1220 of the SETBP1 protein (p.Lys1220Arg). This variant is present in population databases (rs753396839, gnomAD 0.003%). This variant has not been reported in the literature in individuals affected with SETBP1-related conditions. Advanced modeling of protein sequence and biophysical properties (such as structural, functional, and spatial information, amino acid conservation, physicochemical variation, residue mobility, and thermodynamic stability) performed at Invitae indicates that this missense variant is not expected to disrupt SETBP1 protein function. In summary, the available evidence is currently insufficient to determine the role of this variant in disease. Therefore, it has been classified as a Variant of Uncertain Significance.

NM_015559.3(SETBP1):c.3659A>G (p.Lys1220Arg)

Gene: SETBP1 (SET binding protein 1; plus strand). Cytogenetic location: 18q12.3.
Variant type: single nucleotide variant.
Coding change: c.3659A>G on transcript NM_015559.3 (MANE Select); coding-DNA position 3659, A replaced by G.
Protein change: p.Lys1220Arg; replaces lysine 1220 with arginine.
Molecular consequence: missense variant.
Genome position (GRCh38, 1-based): chr18:44,952,999, A>G. VCF-style: chr18-44952999-A-G. GRCh37 (hg19) VCF-style: chr18-42532964-A-G.
Other names: c.3659A>G, p.Lys1220Arg (NM_001379141.1, NM_001379142.1, NM_001410862.1); short protein forms K1220R.
Identifiers: ClinVar variation 2805503 (VCV002805503.3), dbSNP rs753396839, ClinGen allele CA8945955.